The following is an entry in ClinVar:

ClinVar aggregate classification (germline): Likely benign. Review status: reviewed by expert panel (3 of 4 stars). 15 submissions from 15 submitters: Likely benign (1). 14 of the submissions do not count toward it. Last evaluated 2017-06-29.

Conditions:
BRCA1-related disorder. Also called: BRCA1-related condition.
Hereditary cancer-predisposing syndrome. Also called: Hereditary Cancer Syndrome; Tumor predisposition; Neoplastic Syndromes, Hereditary; Hereditary neoplastic syndrome. Identifiers: Orphanet 140162, MedGen C0027672, MeSH D009386, MONDO:0015356.
Hereditary breast ovarian cancer syndrome. Also called: Breast and ovarian cancer; BRCA1- and BRCA2-Associated Hereditary Breast and Ovarian Cancer; Hereditary breast and ovarian cancer; Hereditary breast and ovarian cancer syndrome (HBOC); Hereditary breast and ovarian cancer syndrome; Hereditary breast and/or ovarian cancer syndrome. Identifiers: Orphanet 145, MedGen C0677776, MeSH D061325, MONDO:0003582. Disease mechanism: loss of function.
Breast-ovarian cancer, familial, susceptibility to, 1 (BROVCA1). Also called: BRCA1 Hereditary Breast and Ovarian Cancer; OVARIAN CANCER, SUSCEPTIBILITY TO. Identifiers: Orphanet 145, MedGen C2676676, MONDO:0011450, OMIM 604370. Disease mechanism: loss of function.
Malignant tumor of breast. Also called: Malignant breast neoplasm; Cancer breast. Identifiers: MedGen C0006142, MONDO:0007254. Disease mechanism: loss of function.

Allele frequency attached by ClinVar (database versions not stated): gnomAD 0.00001 and 0.00006; TOPMed 0.00006; ExAC 0.00007; gnomAD exomes 0.00008; 1000 Genomes Project 30x 0.00016; 1000 Genomes Project 0.00020.
gnomAD v4.1: 172 of 1,614,020 alleles (0.011%); highest among the groups gnomAD compares: East Asian, 0.37%; 1 homozygote.

Submissions (15):

Evidence-based Network for the Interpretation of Germline Mutant Alleles (ENIGMA)
Classification: Likely benign for Breast-ovarian cancer, familial, susceptibility to, 1. Last evaluated: 2017-06-29. Review status: reviewed by expert panel. Criteria: ENIGMA BRCA1/2 Classification Criteria (2017-06-29). Collection method: curation. Allele origin: germline.
Comment: Synonymous substitution variant, with low bioinformatic likelihood to result in a splicing aberration (Splicing prior probability 0.02).

Labcorp Genetics (formerly Invitae), Labcorp
Classification: Benign for Hereditary breast ovarian cancer syndrome. Last evaluated: 2026-02-03. Review status: criteria provided, single submitter. Criteria: Invitae Variant Classification Sherloc (09022015). Collection method: clinical testing. Allele origin: germline. Not counted in ClinVar's aggregate classification.

CeGaT Center for Human Genetics Tuebingen
Classification: Likely benign. Last evaluated: 2025-07-01. Review status: criteria provided, single submitter. Criteria: CeGaT Center For Human Genetics Tuebingen Variant Classification Criteria Version 2. Collection method: clinical testing. Allele origin: germline. Affected: yes. Observed: 1 variant allele. Not counted in ClinVar's aggregate classification.
Comment: BRCA1: BP4, BP7

Ambry Genetics
Classification: Likely benign for Hereditary cancer-predisposing syndrome. Last evaluated: 2024-09-30. Review status: criteria provided, single submitter. Criteria: Ambry Variant Classification Scheme 2023. Collection method: clinical testing. Allele origin: germline. Not counted in ClinVar's aggregate classification.

All of Us Research Program, National Institutes of Health
Classification: Likely benign for Breast-ovarian cancer, familial, susceptibility to, 1. Last evaluated: 2023-12-13. Review status: criteria provided, single submitter. Criteria: ACMG Guidelines, 2015. Collection method: clinical testing. Allele origin: germline. Inheritance: Autosomal dominant inheritance. Observed: 10 variant alleles, 10 heterozygotes. Not counted in ClinVar's aggregate classification.
Comment: This study involves interpretation of variants in research participants for the purpose of population health screening. Participant phenotype was not available at the time of variant classification. Additional details can be found in publication PMID: 35346344, PMCID: PMC8962531

Sema4
Classification: Likely benign for Hereditary cancer-predisposing syndrome. Last evaluated: 2021-06-19. Review status: criteria provided, single submitter. Criteria: Sema4 Curation Guidelines. Collection method: curation. Allele origin: germline. Not counted in ClinVar's aggregate classification.

GeneDx
Classification: Likely benign. Last evaluated: 2020-08-10. Review status: criteria provided, single submitter. Criteria: GeneDx Variant Classification Process June 2021. Collection method: clinical testing. Allele origin: germline. Affected: yes. Not counted in ClinVar's aggregate classification.
Comment: This variant is associated with the following publications: (PMID: 28179634, 17100994, 16949048, 12872263, 16267036, 28392550, 30702160, 28692638)

Quest Diagnostics Nichols Institute San Juan Capistrano
Classification: Benign. Last evaluated: 2019-05-15. Review status: criteria provided, single submitter. Criteria: Quest Diagnostics criteria. Collection method: clinical testing. Allele origin: unknown. Not counted in ClinVar's aggregate classification.

Women's Health and Genetics/Laboratory Corporation of America, LabCorp
Classification: Benign. Last evaluated: 2018-05-21. Review status: criteria provided, single submitter. Criteria: LabCorp Variant Classification Summary - May 2015. Collection method: clinical testing. Allele origin: germline. Not counted in ClinVar's aggregate classification.
Comment: Variant summary: BRCA1 c.4347A>G alters a non-conserved nucleotide resulting in a synonymous change. 5/5 computational tools predict no significant impact on normal splicing. However, these predictions have yet to be confirmed by functional studies. The observed variant frequency within East Asian control individuals in the gnomAD database (0.001) is close to the estimated maximal expected allele frequency for a pathogenic variant in BRCA1 causing Hereditary Breast and Ovarian Cancer phenotype (0.001), suggesting that the variant is a benign polymorphism found primarily in populations of East Asian origin. Moreover, in certain East Asian subpopulations the variant was observed with an even higher occurrence, e.g. in the Japanese control population it occurred with a frequency of 0.0087 (HGVD), strongly suggesting a benign role for the variant. c.4347A>G has been reported in the literature in individuals affected with Hereditary Breast and Ovarian Cancer (Han 2006, Judkins 2005, Kim 2006, Lee 2003, Hwang 2017). However, in several of these publications the authors listed the variant of interest as a polymorphism. To our knowledge, no experimental evidence demonstrating an impact on protein function has been reported. Four clinical diagnostic laboratories have submitted clinical-significance assessments for this variant to ClinVar after 2014 without evidence for independent evaluation. All laboratories classified the variant as benign/likely benign. Based on the evidence outlined above, the variant was classified as benign.

Illumina Laboratory Services, Illumina
Classification: Uncertain significance for Breast-ovarian cancer, familial, susceptibility to, 1. Last evaluated: 2018-01-12. Review status: criteria provided, single submitter. Criteria: ICSL Variant Classification Criteria 13 December 2019. Collection method: clinical testing. Allele origin: germline. Not counted in ClinVar's aggregate classification.

Color Diagnostics, LLC DBA Color Health
Classification: Likely benign for Hereditary cancer-predisposing syndrome. Last evaluated: 2015-05-18. Review status: criteria provided, single submitter. Criteria: ACMG Guidelines, 2015. Collection method: clinical testing. Allele origin: germline. Not counted in ClinVar's aggregate classification.

PreventionGenetics, part of Exact Sciences
Classification: Likely benign for BRCA1-related condition. Last evaluated: 2021-10-27. Review status: no assertion criteria provided. Collection method: clinical testing. Allele origin: germline. Not counted in ClinVar's aggregate classification.
Comment: This variant is classified as likely benign based on ACMG/AMP sequence variant interpretation guidelines (Richards et al. 2015 PMID: 25741868, with internal and published modifications).

Counsyl
Classification: Likely benign for Breast-ovarian cancer, familial, susceptibility to, 1. Last evaluated: 2017-12-21. Review status: no assertion criteria provided. Collection method: clinical testing. Allele origin: unknown. Not counted in ClinVar's aggregate classification.

Breast Cancer Information Core (BIC) (BRCA1)
Classification: Benign for Breast-ovarian cancer, familial 1. Last evaluated: 2004-12-27. Review status: no assertion criteria provided. Collection method: clinical testing. Allele origin: germline. Affected: yes. Observed: 1 variant allele. Not counted in ClinVar's aggregate classification.

Department of Pathology and Laboratory Medicine, Sinai Health System
Classification: Uncertain significance for Malignant tumor of breast. Review status: no assertion criteria provided. Collection method: clinical testing. Allele origin: unknown. Affected: yes. Study: The Canadian Open Genetics Repository (COGR). Not counted in ClinVar's aggregate classification.
Comment: The BRCA1 p.Thr1449= variant was identified in 7 of 3724 proband chromosomes (frequency: 0.002) from Korean and Malaysian individuals or families with breast cancer, sporadic or unselected for family history, and was not identified in 334 control chromosomes from healthy individuals (Han 2006, Kim 2006, Lee 2003). The variant was also identified in the following databases: dbSNP (ID: rs80356840) as â€šÃ„ÃºWith other alleleâ€šÃ„Ã¹, in ClinVar (likely benign, reviewed by an expert panel 2017; submitters: benign by BIC, likely benign by ENIGMA, Invitae, Ambry Genetics and GeneDx), in Clinvitae (4x), and BIC Database (1x, with no clinical importance, classification pending), and was not identified in the COGR, Cosmic, MutDB, LOVD 3.0, UMD-LSDB, ARUP Laboratories, or the Zhejiang Colon Cancer Database. The variant was identified in control databases in 22 of 277016 chromosomes at a frequency of 0.00008 (Genome Aggregation Database Feb 27, 2017). It was observed in the following populations: â€šÃ„ÃºOtherâ€šÃ„Ã¹ in 1 of 6464 chromosomes (freq: 0.0002), East Asian in 20 of 18866 chromosomes (freq: 0.001), and South Asian in 1 of 30758 chromosomes (freq: 0.00003); it was not observed in the African, Latino, European Non-Finnish, Ashkenazi Jewish, and Finnish populations. The p.Thr1449= variant is not expected to have clinical significance because it does not result in a change of amino acid and is not located in a known consensus splice site. The variant occurs 11 nucleotides from the 3â€šÃ„Ã´ end of exon 11 and 2 of 5 in silico or computational prediction software programs (SpliceSiteFinder, MaxEntScan, NNSPLICE, GeneSplicer, HumanSpliceFinder) predict a greater than 10% difference in splicing; this is not very predictive of pathogenicity. In summary, based on the above information the clinical significance of this variant cannot be determined with certainty at this time. This variant is classified as a variant of uncertain significance.

Literature cited by the submitters: PubMed 12872263 (cited by 3 submitters); PubMed 17100994 (cited by 3 submitters); PubMed 16949048 (cited by Quest Diagnostics Nichols Institute San Juan Capistrano and Women's Health and Genetics/Laboratory Corporation of America, LabCorp); PubMed 28392550 (cited by Women's Health and Genetics/Laboratory Corporation of America, LabCorp); PubMed 16267036 (cited by Women's Health and Genetics/Laboratory Corporation of America, LabCorp); PubMed 28480178 (cited by Counsyl).

NM_007294.4(BRCA1):c.4347A>G (p.Thr1449=)

Gene: BRCA1 (BRCA1 DNA repair associated; minus strand). Cytogenetic location: 17q21.31.
Variant type: single nucleotide variant.
Coding change: c.4347A>G on transcript NM_007294.4 (MANE Select); coding-DNA position 4347, A replaced by G.
Protein change: p.Thr1449=; no amino-acid change (threonine 1449 retained).
Molecular consequence: synonymous variant.
Genome position (GRCh38, 1-based): chr17:43,082,414, T>C on the plus strand (A>G on the coding strand, the complement: BRCA1 is on the minus strand). VCF-style: chr17-43082414-T-C. GRCh37 (hg19) VCF-style: chr17-41234431-T-C.
Other names: 4466A/G; c.4221A>G, p.Thr1407= (NM_001407941.1, NM_001407649.1, NM_001407670.1 and 12 more transcripts); c.4206A>G, p.Thr1402= (NM_001407942.1, NM_001407944.1, NM_001407945.1 and 23 more transcripts); c.4203A>G, p.Thr1401= (NM_001407943.1, NM_001407964.1, NM_001407740.1 and 23 more transcripts); c.4014A>G, p.Thr1338= (NM_001407946.1, NM_001407947.1, NM_001407948.1 and 3 more transcripts); c.4011A>G, p.Thr1337= (NM_001407952.1, NM_001407953.1, NM_001407954.1 and 3 more transcripts); c.4008A>G, p.Thr1336= (NM_001407956.1); c.3966A>G, p.Thr1322= (NM_001407959.1, NM_001407960.1); and 52 more.
Identifiers: ClinVar variation 55176 (VCV000055176.39), dbSNP rs80356840, ClinGen allele CA002780.